The following is an entry in ClinVar:

ClinVar aggregate classification (germline): Pathogenic (0 of 4 stars; one submission).

Conditions:
Pyruvate dehydrogenase E1-alpha deficiency (PDHAD). Also called: ATAXIA, INTERMITTENT, WITH PYRUVATE DEHYDROGENASE DEFICIENCY; ATAXIA WITH LACTIC ACIDOSIS I; ATAXIA, INTERMITTENT, WITH ABNORMAL PYRUVATE METABOLISM; Ataxia, intermittent, with pyruvate dehydrogenase, or decarboxylase, deficiency. Identifiers: Orphanet 79243, MedGen C1839413, MONDO:0010717, OMIM 312170.

Submissions (2):

PDHA1 Study Group, University Children’s Hospital, Paracelsus Medical University
Classification: Pathogenic for Pyruvate dehydrogenase E1-alpha deficiency. Last evaluated: 2024-10-15. Review status: no assertion criteria provided. Collection method: research. Allele origin: germline. Affected: yes. Observed: 3 variant alleles.
Comment: The NM_000284.3:c.292-2A>G (p.?) variant affects splicing in PDHA1 gene. In total, 3 individuals were diagnosed with PDHA1-related Pyruvate dehydrogenase complex (PDHc) deficiency (MIM #312170). The variant has been reported in 1 published case (PMIDs: 21914562). Additional 2 unpublished cases from internal data are included. Last literature search: July 12, 2024. This variant is absent or extremely rare in population-based cohorts in the Genome Aggregation Database (gnomAD). Individuals harboring this variant presented with clinical features compatible with PDHA1-related PDHc deficiency. In summary, this variant meets criteria to be classified as pathogenic (P) for PDHA1-related PDHc deficiency based on the ACMG/AMP criteria applied: PVS1, PS3, PM1, PM7 (last assessment October 15, 2024).

Dr. Peter K. Rogan Lab, Western University
No classification provided (evidence only). Condition: Nonpapillary renal cell carcinoma. Review status: no classification provided. Collection method: in vitro. Allele origin: not applicable. Functional consequence: retained intron. Not counted in ClinVar's aggregate classification.

Literature cited by the submitters: PubMed 21914562 (cited by PDHA1 Study Group, University Children’s Hospital, Paracelsus Medical University); DOI 10.1093/brain/awaf430 (cited by PDHA1 Study Group, University Children’s Hospital, Paracelsus Medical University).

NM_000284.4(PDHA1):c.292-2A>G

Gene: PDHA1 (pyruvate dehydrogenase E1 subunit alpha 1; plus strand). Cytogenetic location: Xp22.12.
Variant type: single nucleotide variant.
Coding change: c.292-2A>G on transcript NM_000284.4 (MANE Select); the canonical splice acceptor site of the intron before coding-DNA position 292, A replaced by G.
Molecular consequence: splice acceptor variant. On other transcripts: missense variant (1).
Genome position (GRCh38, 1-based): chrX:19,351,279, A>G. VCF-style: chrX-19351279-A-G. GRCh37 (hg19) VCF-style: chrX-19369397-A-G.
Other names: NC_000023.10:g.19369397A>G; c.311A>G, p.Gln104Arg (NM_001173455.2); c.406-2A>G (NM_001173454.2); c.292-2A>G (NM_001173456.2); short protein forms Q104R.
Identifiers: ClinVar variation 4070486 (VCV004070486.2).